The following is an entry in ClinVar:

NM_001079.4(ZAP70):c.608T>A (p.Ile203Asn)

Gene: ZAP70 (zeta chain of T cell receptor associated protein kinase 70; plus strand). Cytogenetic location: 2q11.2.
Variant type: single nucleotide variant.
Coding change: c.608T>A on transcript NM_001079.4 (MANE Select); coding-DNA position 608, T replaced by A.
Protein change: p.Ile203Asn; replaces isoleucine 203 with asparagine.
Molecular consequence: missense variant.
Genome position (GRCh38, 1-based): chr2:97,732,927, T>A. VCF-style: chr2-97732927-T-A. GRCh37 (hg19) VCF-style: chr2-98349390-T-A.
Other names: c.608T>A, p.Ile203Asn (NM_001378594.1); short protein forms I203N.
Identifiers: ClinVar variation 1487014 (VCV001487014.6), dbSNP rs751747318, ClinGen allele CA1790153.

ClinVar aggregate classification (germline): Uncertain significance (1 of 4 stars; one submission).

Conditions:
Combined immunodeficiency due to ZAP70 deficiency (IMD48). Also called: ZAP70 Deficiency; Immunodeficiency 48. Identifiers: Orphanet 911, MedGen C2931299, MONDO:0010023, OMIM 269840.

Allele frequency attached by ClinVar (database versions not stated): gnomAD exomes below 0.00001; ExAC 0.00001.
gnomAD v4.1: 3 of 1,614,028 alleles (0.00019%); highest among the groups gnomAD compares: Non-Finnish European, 0.00025%; no homozygotes.

Submission:

Labcorp Genetics (formerly Invitae), Labcorp
Classification: Uncertain significance for Combined immunodeficiency due to ZAP70 deficiency. Last evaluated: 2021-08-28. Review status: criteria provided, single submitter. Criteria: Invitae Variant Classification Sherloc (09022015). Collection method: clinical testing. Allele origin: germline.
Comment: This variant has not been reported in the literature in individuals affected with ZAP70-related conditions. In summary, the available evidence is currently insufficient to determine the role of this variant in disease. Therefore, it has been classified as a Variant of Uncertain Significance. Algorithms developed to predict the effect of missense changes on protein structure and function are either unavailable or do not agree on the potential impact of this missense change (SIFT: "Not Available"; PolyPhen-2: "Possibly Damaging"; Align-GVGD: "Not Available"). This variant is present in population databases (rs751747318, ExAC 0.002%). This sequence change replaces isoleucine with asparagine at codon 203 of the ZAP70 protein (p.Ile203Asn). The isoleucine residue is weakly conserved and there is a large physicochemical difference between isoleucine and asparagine.